The following is an entry in ClinVar:

NM_001105206.3(LAMA4):c.103G>A (p.Asp35Asn)

Genes: LAMA4 (laminin subunit alpha 4; minus strand), LAMA4-AS1 (LAMA4 antisense RNA 1; plus strand). Cytogenetic location: 6q21.
Variant type: single nucleotide variant.
Coding change: c.103G>A on transcript NM_001105206.3 (MANE Select); coding-DNA position 103, G replaced by A.
Protein change: p.Asp35Asn; replaces aspartic acid 35 with asparagine.
Molecular consequence: missense variant.
Genome position (GRCh38, 1-based): chr6:112,254,048, C>T on the plus strand (G>A on the coding strand, the complement: LAMA4 is on the minus strand). VCF-style: chr6-112254048-C-T. GRCh37 (hg19) VCF-style: chr6-112575250-C-T.
Other names: c.103G>A, p.Asp35Asn (NM_001105207.3, NM_001105208.3, NM_001105209.3 and 1 more transcripts); short protein forms D35N.
Identifiers: ClinVar variation 1773711 (VCV001773711.2), dbSNP rs1554190498, ClinGen allele CA365518837.
Genomic context (GRCh38, chr6:112,254,048, plus strand): 5'-CGCGGGGTTCGCTCGTCTCAGGCGGGTCTTGCCTGCCAACCGCTGAGCTCCCTTCAATGT[C>T]AAAAGGAAAAGCGTTGTCGTCCCCGGACGCGGCGCGGGAGCAGGCAGCGCTCCAGAGGAG-3'
Protein context (NP_001098676.2, residues 25-45): ASGDDNAFPF[Asp35Asn]IEGSSAVGRQ

ClinVar aggregate classification (germline): Uncertain significance (1 of 4 stars; one submission).

Conditions:
Cardiovascular phenotype. Identifiers: MedGen CN230736.

Allele frequency attached by ClinVar (database versions not stated): TOPMed below 0.00001.
gnomAD v4.1: 1 of 1,603,338 alleles (0.000062%); highest among the groups gnomAD compares: Non-Finnish European, 0.000085%; no homozygotes.

Submission:

Ambry Genetics
Classification: Uncertain significance for Cardiovascular phenotype. Last evaluated: 2019-08-07. Review status: criteria provided, single submitter. Criteria: Ambry Variant Classification Scheme 2023. Collection method: clinical testing. Allele origin: germline.
Comment: The p.D35N variant (also known as c.103G>A), located in coding exon 1 of the LAMA4 gene, results from a G to A substitution at nucleotide position 103. The aspartic acid at codon 35 is replaced by asparagine, an amino acid with highly similar properties. This amino acid position is highly conserved in available vertebrate species. In addition, this alteration is predicted to be tolerated by in silico analysis. Since supporting evidence is limited at this time, the clinical significance of this alteration remains unclear.